The following is an entry in ClinVar:

NM_001018116.2(CAVIN4):c.394G>C (p.Val132Leu)

Gene: CAVIN4 (caveolae associated protein 4; plus strand). Cytogenetic location: 9q31.1.
Variant type: single nucleotide variant.
Coding change: c.394G>C on transcript NM_001018116.2 (MANE Select); coding-DNA position 394, G replaced by C.
Protein change: p.Val132Leu; replaces valine 132 with leucine.
Molecular consequence: missense variant.
Genome position (GRCh38, 1-based): chr9:100,578,537, G>C. VCF-style: chr9-100578537-G-C. GRCh37 (hg19) VCF-style: chr9-103340819-G-C.
Other names: c.394G>C, p.Val132Leu (LRG_760t1); c.394G>C (NM_001018116.1); short protein forms V132L.
Identifiers: ClinVar variation 450140 (VCV000450140.3), dbSNP rs147081785, ClinGen allele CA5160048.
Genomic context (GRCh38, chr9:100,578,537, plus strand): 5'-ATTCATGTTAAAAAAGTTGAAGTCAAGCAAGAGGAAATAATGAAGAAAAACAAATTCCGC[G>C]TGGTAATATTCCAGGTAAGCTTGCACTTGTGTTCAGCTTGCTTGTTCTAATCTCTTGCAT-3'
Protein context (NP_001018126.1, residues 122-142): EEIMKKNKFR[Val132Leu]VIFQEKFRCP

ClinVar aggregate classification (germline): Uncertain significance. Review status: criteria provided, multiple submitters, no conflicts (2 of 4 stars). 2 submissions from 2 submitters: Uncertain significance (2). Last evaluated 2025-11-24.

Allele frequency attached by ClinVar (database versions not stated): TOPMed 0.00005; 1000 Genomes Project 30x 0.00016; 1000 Genomes Project 0.00020.

Submissions (2):

Ambry Genetics
Classification: Uncertain significance. Last evaluated: 2025-11-24. Review status: criteria provided, single submitter. Criteria: Ambry Variant Classification Scheme 2023. Collection method: clinical testing. Allele origin: germline.

GeneDx
Classification: Uncertain significance. Last evaluated: 2018-10-30. Review status: criteria provided, single submitter. Criteria: GeneDx Variant Classification (06012015). Collection method: clinical testing. Allele origin: germline. Affected: yes.
Comment: The V132L variant of uncertain significance in the MURC gene has not been published as pathogenic or been reported as benign to our knowledge. V132L has been observed in 2/22,292 (0.009%) alleles from individuals of European (Finnish) ancestry and 6/238,736 (0.003%) global alleles in large population cohorts (Lek et al., 2016). This variant may be functionally significant at the protein level or at the mRNA level. At the protein level, in-silico analyses, including protein predictors and evolutionary conservation, support a deleterious effect. Nevertheless, the V132L variant is a conservative amino acid substitution, which is not likely to impact secondary protein structure as these residues share similar properties. At the mRNA level, several in silico splicing models predict that this variant may affect splicing by creating a new cryptic splice donor site upstream of the natural splice donor site in exon 1. However, in the absence of functional mRNA studies, the physiological consequence of this variant cannot be precisely determined.